The following is an entry in ClinVar:

ClinVar aggregate classification (germline): Pathogenic/Likely pathogenic. Review status: criteria provided, multiple submitters, no conflicts (2 of 4 stars). 4 submissions from 4 submitters: Pathogenic (2); Likely pathogenic (2). Last evaluated 2024-08-15.

Conditions:
Methylmalonic aciduria and homocystinuria type cblF. Also called: COBALAMIN F DISEASE; COBALAMIN, DEFECT IN LYSOSOMAL RELEASE OF; METHYLMALONIC ACIDEMIA AND HOMOCYSTINURIA, cblF TYPE; METHYLMALONIC ACIDURIA DUE TO VITAMIN B12-RELEASE DEFECT; VITAMIN B12 LYSOSOMAL RELEASE DEFECT; VITAMIN B12 STORAGE DISEASE. Identifiers: Orphanet 79284, MedGen C1848578, MONDO:0010183, OMIM 277380.
Cobalamin C disease. Also called: methylmalonic aciduria and homocystinuria type cblC; Methylmalonic aciduria with homocystinuria cblC type; Cobalamin-C methylmalonic acidemia and homocystinuria; Methylmalonic acidemia and homocystinuria cblC type; Methylmalonic aciduria and homocystinuria, Vitamin B12-responsive; Vitamin B12 metabolic defect with combined deficiency of methylmalonyl-CoA mutase and homocysteine:methyltetrahydrofolate methyltransferase. Identifiers: Orphanet 26, Orphanet 79282, MedGen C1848561, MONDO:0010184, OMIM 277400.

Submissions (4):

Women's Health and Genetics/Laboratory Corporation of America, LabCorp
Classification: Pathogenic for Cobalamin C disease. Last evaluated: 2024-08-15. Review status: criteria provided, single submitter. Criteria: LabCorp Variant Classification Summary - May 2015. Collection method: clinical testing. Allele origin: germline.
Comment: Variant summary: LMBRD1 c.967_970delCTCT (p.Leu323SerfsX5) results in a premature termination codon, predicted to cause a truncation of the encoded protein or absence of the protein due to nonsense mediated decay, which are commonly known mechanisms for disease. The variant allele was found at a frequency of 8e-06 in 249738 control chromosomes. To our knowledge, no occurrence of c.967_970delCTCT in individuals affected with Methylmalonic Acidemia With Homocystinuria and no experimental evidence demonstrating its impact on protein function have been reported. ClinVar contains an entry for this variant (Variation ID: 1070033). Based on the evidence outlined above, the variant was classified as pathogenic.

Fulgent Genetics
Classification: Likely pathogenic for Methylmalonic aciduria and homocystinuria type cblF. Last evaluated: 2024-06-05. Review status: criteria provided, single submitter. Criteria: ACMG Guidelines, 2015. Collection method: clinical testing. Allele origin: germline.

Labcorp Genetics (formerly Invitae), Labcorp
Classification: Pathogenic for Methylmalonic aciduria and homocystinuria type cblF. Last evaluated: 2024-06-02. Review status: criteria provided, single submitter. Criteria: Invitae Variant Classification Sherloc (09022015). Collection method: clinical testing. Allele origin: germline.
Comment: This sequence change creates a premature translational stop signal (p.Leu323Serfs*5) in the LMBRD1 gene. It is expected to result in an absent or disrupted protein product. Loss-of-function variants in LMBRD1 are known to be pathogenic (PMID: 19136951, 21303734). The frequency data for this variant in the population databases is considered unreliable, as metrics indicate poor data quality at this position in the gnomAD database. This variant has not been reported in the literature in individuals affected with LMBRD1-related conditions. ClinVar contains an entry for this variant (Variation ID: 1070033). For these reasons, this variant has been classified as Pathogenic.

Revvity Omics, Revvity
Classification: Likely pathogenic for Methylmalonic aciduria and homocystinuria type cblF. Last evaluated: 2021-01-08. Review status: criteria provided, single submitter. Criteria: ACMG Guidelines, 2015. Collection method: clinical testing. Allele origin: germline.

Literature cited by the submitters: PubMed 19136951 (cited by Labcorp Genetics (formerly Invitae), Labcorp); PubMed 21303734 (cited by Labcorp Genetics (formerly Invitae), Labcorp).

NM_018368.4(LMBRD1):c.967_970del (p.Leu323fs)

Gene: LMBRD1 (LMBR1 domain containing 1; minus strand). Cytogenetic location: 6q13.
Variant type: Microsatellite.
Coding change: c.967_970del on transcript NM_018368.4 (MANE Select); coding-DNA positions 967 to 970, 4 bases deleted (CTCT; older notation c.967_970delCTCT).
Protein change: p.Leu323fs; shifts the reading frame from leucine 323.
Molecular consequence: frameshift variant.
Genome position (GRCh38, 1-based): chr6:69,701,899-69,701,902, AGAG deleted on the plus strand (CTCT on the coding strand, the reverse complement: LMBRD1 is on the minus strand); deleting any 4 consecutive bases within chr6:69,701,899-69,701,905 gives the same sequence; the c. name uses the placement nearest the transcript's 3' end. VCF-style (leftmost placement, unchanged base first): chr6-69701898-AAGAG-A. GRCh37 (hg19) VCF-style: chr6-70411790-AAGAG-A.
Other names: c.748_751del, p.Leu250fs (NM_001363722.2, NM_001367271.1, NM_001367272.1); c.967_970delCTCT (NM_018368.4); short protein forms L250fs, L323fs.
Identifiers: ClinVar variation 1070033 (VCV001070033.13), dbSNP rs771477094, ClinGen allele CA3879732.